The following is an entry in ClinVar:

ClinVar aggregate classification (germline): Likely benign (1 of 4 stars; one submission).

Submission:

CeGaT Center for Human Genetics Tuebingen
Classification: Likely benign. Last evaluated: 2026-05-01. Review status: criteria provided, single submitter. Criteria: CeGaT Center For Human Genetics Tuebingen Variant Classification Criteria Version 2. Collection method: clinical testing. Allele origin: germline. Affected: yes. Observed: 1 variant allele.
Comment: RHOBTB2: PM2:Supporting, BP4, BP7

NM_015178.3(RHOBTB2):c.228C>G (p.Val76=)

Gene: RHOBTB2 (Rho related BTB domain containing 2; plus strand). Cytogenetic location: 8p21.3.
Variant type: single nucleotide variant.
Coding change: c.228C>G on transcript NM_015178.3 (MANE Select); coding-DNA position 228, C replaced by G.
Protein change: p.Val76=; no amino-acid change (valine 76 retained).
Molecular consequence: synonymous variant.
Genome position (GRCh38, 1-based): chr8:23,005,407, C>G. VCF-style: chr8-23005407-C-G. GRCh37 (hg19) VCF-style: chr8-22862920-C-G.
Other names: c.294C>G, p.Val98= (NM_001160036.2); c.249C>G, p.Val83= (NM_001160037.2); c.228C>G, p.Val76= (NM_001374791.1).
Identifiers: ClinVar variation 4872798 (VCV004872798.2).